The following is an entry in ClinVar:

NM_020937.4(FANCM):c.1157T>A (p.Leu386His)

Gene: FANCM (FA complementation group M; plus strand). Cytogenetic location: 14q21.2.
Variant type: single nucleotide variant.
Coding change: c.1157T>A on transcript NM_020937.4 (MANE Select); coding-DNA position 1157, T replaced by A.
Protein change: p.Leu386His; replaces leucine 386 with histidine.
Molecular consequence: missense variant.
Genome position (GRCh38, 1-based): chr14:45,154,026, T>A. VCF-style: chr14-45154026-T-A. GRCh37 (hg19) VCF-style: chr14-45623229-T-A.
Other names: c.1079T>A, p.Leu360His (NM_001308133.2); c.1157T>A, p.Leu386His (NM_001308134.2); short protein forms L360H, L386H.
Identifiers: ClinVar variation 5036650 (VCV005036650.1).

ClinVar aggregate classification (germline): Uncertain significance (1 of 4 stars; one submission).

Conditions:
Inborn genetic diseases. Identifiers: MedGen C0950123, MeSH D030342.

Submission:

Ambry Genetics
Classification: Uncertain significance for Inborn genetic diseases. Last evaluated: 2026-07-27. Review status: criteria provided, single submitter. Criteria: Ambry Variant Classification Scheme 2023. Collection method: clinical testing. Allele origin: germline.
Comment: The p.L386H variant (also known as c.1157T>A), located in coding exon 6 of the FANCM gene, results from a T to A substitution at nucleotide position 1157. The leucine at codon 386 is replaced by histidine, an amino acid with similar properties. This amino acid position is conserved. In addition, this alteration is predicted to be tolerated by in silico analysis. Based on the available evidence, the clinical significance of this variant remains unclear.